The following is an entry in ClinVar:

ClinVar aggregate classification (germline): Likely benign. Review status: criteria provided, multiple submitters, no conflicts (2 of 4 stars). 3 submissions from 3 submitters: Likely benign (2). 1 of the submissions does not count toward it. Last evaluated 2024-01-27.

Conditions:
ADGRV1-related disorder. Also called: ADGRV1-related disorders; ADGRV1-related condition.

Allele frequency attached by ClinVar (database versions not stated): gnomAD exomes 0.00001.
gnomAD v4.1: 3 of 1,608,862 alleles (0.00019%); highest among the groups gnomAD compares: Non-Finnish European, 0.00025%; no homozygotes.

Submissions (3):

Labcorp Genetics (formerly Invitae), Labcorp
Classification: Likely benign. Last evaluated: 2024-01-27. Review status: criteria provided, single submitter. Criteria: Invitae Variant Classification Sherloc (09022015). Collection method: clinical testing. Allele origin: germline.

GeneDx
Classification: Likely benign. Last evaluated: 2018-11-15. Review status: criteria provided, single submitter. Criteria: GeneDx Variant Classification Process June 2021. Collection method: clinical testing. Allele origin: germline. Affected: yes.

PreventionGenetics, part of Exact Sciences
Classification: Likely benign for ADGRV1-related condition. Last evaluated: 2020-07-02. Review status: no assertion criteria provided. Collection method: clinical testing. Allele origin: germline. Not counted in ClinVar's aggregate classification.
Comment: This variant is classified as likely benign based on ACMG/AMP sequence variant interpretation guidelines (Richards et al. 2015 PMID: 25741868, with internal and published modifications).

NM_032119.4(ADGRV1):c.12804A>T (p.Arg4268=)

Gene: ADGRV1 (adhesion G protein-coupled receptor V1; plus strand). Cytogenetic location: 5q14.3.
Variant type: single nucleotide variant.
Coding change: c.12804A>T on transcript NM_032119.4 (MANE Select); coding-DNA position 12804, A replaced by T.
Protein change: p.Arg4268=; no amino-acid change (arginine 4268 retained).
Molecular consequence: synonymous variant. On other transcripts: non-coding transcript variant (1).
Genome position (GRCh38, 1-based): chr5:90,778,564, A>T. VCF-style: chr5-90778564-A-T. GRCh37 (hg19) VCF-style: chr5-90074381-A-T.
Identifiers: ClinVar variation 1200579 (VCV001200579.10), dbSNP rs1352072115, ClinGen allele CA445467264.